The following is an entry in ClinVar:

ClinVar aggregate classification (germline): Conflicting classifications of pathogenicity. Review status: criteria provided, conflicting classifications (1 of 4 stars). 3 submissions from 3 submitters: Uncertain significance (2); Likely benign (1). Last evaluated 2025-12-24.

Conditions:
CHARGE syndrome (CHARGE). Also called: Hittner Hirsch Kreh syndrome; Coloboma, heart anomaly, choanal atresia, retardation, genital and ear anomalies; CHARGE association; Hall-Hittner syndrome; CHARGE ASSOCIATION--COLOBOMA, HEART ANOMALY, CHOANAL ATRESIA, RETARDATION, GENITAL AND EAR ANOMALIES. Identifiers: Orphanet 138, MedGen C0265354, MONDO:0008965.
Hypogonadotropic hypogonadism 5 with or without anosmia (KAL5). Also called: HYPOGONADOTROPIC HYPOGONADISM 5 WITH ANOSMIA; HYPOGONADOTROPHIC HYPOGONADISM 5 WITHOUT ANOSMIA; CHD7-Related GnRH Deficiency (Kallmann Syndrome 5). Identifiers: Orphanet 478, MedGen C3552553, MONDO:0012880, OMIM 612370. Disease mechanism: loss of function.
CHD7-related CHARGE syndrome. Identifiers: MedGen CN380413, MONDO:1010178, OMIM 214800.

Allele frequency attached by ClinVar (database versions not stated): gnomAD 0.00001; gnomAD exomes 0.00001; TOPMed 0.00001; ExAC 0.00003.
gnomAD v4.1: 12 of 1,613,778 alleles (0.00074%); highest among the groups gnomAD compares: Middle Eastern, 0.016%; no homozygotes.

Submissions (3):

Labcorp Genetics (formerly Invitae), Labcorp
Classification: Likely benign for CHARGE syndrome. Last evaluated: 2025-12-24. Review status: criteria provided, single submitter. Criteria: Invitae Variant Classification Sherloc (09022015). Collection method: clinical testing. Allele origin: germline.

Fulgent Genetics
Classification: Uncertain significance for CHD7-related CHARGE syndrome; Hypogonadotropic hypogonadism 5 with or without anosmia. Last evaluated: 2022-01-06. Review status: criteria provided, single submitter. Criteria: ACMG Guidelines, 2015. Collection method: clinical testing. Allele origin: unknown.

Juno Genomics, Hangzhou Juno Genomics, Inc
Classification: Uncertain significance for CHD7-related CHARGE syndrome; Hypogonadotropic hypogonadism 5 with or without anosmia. Review status: criteria provided, single submitter. Criteria: ACMG Guidelines, 2015. Collection method: clinical testing. Allele origin: germline.
Comment: Absent from controls (or at extremely low frequency if recessive) in Genome Aggregation Database.;Missense variant in a gene that has a low rate of benign missense variation.;Multiple lines of computational evidence support a deleterious effect on the gene or gene product.

NM_017780.4(CHD7):c.3224A>G (p.Tyr1075Cys)

Gene: CHD7 (chromodomain helicase DNA binding protein 7; plus strand). Cytogenetic location: 8q12.2.
Variant type: single nucleotide variant.
Coding change: c.3224A>G on transcript NM_017780.4 (MANE Select); coding-DNA position 3224, A replaced by G.
Protein change: p.Tyr1075Cys; replaces tyrosine 1075 with cysteine.
Molecular consequence: missense variant. On other transcripts: intron variant (1).
Genome position (GRCh38, 1-based): chr8:60,823,862, A>G. VCF-style: chr8-60823862-A-G. GRCh37 (hg19) VCF-style: chr8-61736421-A-G.
Other names: c.1717-38367A>G (NM_001316690.1); short protein forms Y1075C.
Identifiers: ClinVar variation 963928 (VCV000963928.12), dbSNP rs759929302, ClinGen allele CA4759918.